The following is an entry in ClinVar:

NM_000384.3(APOB):c.8956C>T (p.Leu2986Phe)

Gene: APOB (apolipoprotein B; minus strand). Cytogenetic location: 2p24.1.
Variant type: single nucleotide variant.
Coding change: c.8956C>T on transcript NM_000384.3 (MANE Select); coding-DNA position 8956, C replaced by T.
Protein change: p.Leu2986Phe; replaces leucine 2986 with phenylalanine.
Molecular consequence: missense variant.
Genome position (GRCh38, 1-based): chr2:21,007,912, G>A on the plus strand (C>T on the coding strand, the complement: APOB is on the minus strand). VCF-style: chr2-21007912-G-A. GRCh37 (hg19) VCF-style: chr2-21230784-G-A.
Other names: short protein forms L2986F.
Identifiers: ClinVar variation 2681965 (VCV002681965.3), dbSNP rs1472048923, ClinGen allele CA345992806.

ClinVar aggregate classification (germline): Conflicting classifications of pathogenicity. Review status: criteria provided, conflicting classifications (1 of 4 stars). 2 submissions from 2 submitters: Uncertain significance (1); Likely benign (1). Last evaluated 2025-09-24.

Conditions:
Familial hypobetalipoproteinemia 1. Also called: APOB-Related Familial Hypobetalipoproteinemia; Hypobetalipoproteinemia, normotriglyceridemic; Acanthocytosis with hypobetalipoproteinemia. Identifiers: MedGen C4551990, MONDO:0014252, OMIM 615558.
Hypercholesterolemia, autosomal dominant, type B (FHCL2). Also called: Familial Hypercholesterolemia Type B; APOLIPOPROTEIN B-100, FAMILIAL DEFECTIVE; APOLIPOPROTEIN B-100, FAMILIAL LIGAND-DEFECTIVE; HYPERCHOLESTEROLEMIA, FAMILIAL, DUE TO LIGAND-DEFECTIVE APOLIPOPROTEIN B; Familial hypercholesterolemia 2; Hyperlipoproteinemia Type IIb. Identifiers: MedGen C1704417, MONDO:0007751, OMIM 144010.

Allele frequency attached by ClinVar (database versions not stated): TOPMed below 0.00001.
gnomAD v4.1: 13 of 1,614,070 alleles (0.00081%); highest among the groups gnomAD compares: South Asian, 0.0088%; no homozygotes.

Submissions (2):

Labcorp Genetics (formerly Invitae), Labcorp
Classification: Likely benign for Familial hypobetalipoproteinemia 1; Hypercholesterolemia, autosomal dominant, type B. Last evaluated: 2025-09-24. Review status: criteria provided, single submitter. Criteria: Invitae Variant Classification Sherloc (09022015). Collection method: clinical testing. Allele origin: germline.

Quest Diagnostics Nichols Institute San Juan Capistrano
Classification: Uncertain significance. Last evaluated: 2023-05-31. Review status: criteria provided, single submitter. Criteria: Quest Diagnostics criteria. Collection method: clinical testing. Allele origin: unknown.
Comment: To the best of our knowledge, this variant has not been reported in the published literature. The frequency of this variant in the general population, 0.000008 (2/250994 chromosomes (Genome Aggregation Database)), is uninformative in the assessment of its pathogenicity. Analysis of this variant using bioinformatics tools for the prediction of the effect of amino acid changes on protein structure and function yielded predictions that this variant is benign. Based on the available information, we are unable to determine the clinical significance of this variant.